The following is an entry in ClinVar:

ClinVar aggregate classification (germline): Uncertain significance (1 of 4 stars; one submission).

Allele frequency attached by ClinVar (database versions not stated): TOPMed 0.00001.

Submission:

Labcorp Genetics (formerly Invitae), Labcorp
Classification: Uncertain significance. Last evaluated: 2021-12-19. Review status: criteria provided, single submitter. Criteria: Invitae Variant Classification Sherloc (09022015). Collection method: clinical testing. Allele origin: germline.
Comment: In summary, the available evidence is currently insufficient to determine the role of this variant in disease. Therefore, it has been classified as a Variant of Uncertain Significance. Algorithms developed to predict the effect of missense changes on protein structure and function output the following: SIFT: "Tolerated"; PolyPhen-2: "Benign"; Align-GVGD: "Class C0". The alanine amino acid residue is found in multiple mammalian species, which suggests that this missense change does not adversely affect protein function. This variant has not been reported in the literature in individuals affected with HMCN1-related conditions. This variant is not present in population databases (gnomAD no frequency). This sequence change replaces threonine, which is neutral and polar, with alanine, which is neutral and non-polar, at codon 1869 of the HMCN1 protein (p.Thr1869Ala).

NM_031935.3(HMCN1):c.5605A>G (p.Thr1869Ala)

Gene: HMCN1 (hemicentin 1; plus strand). Cytogenetic location: 1q31.1.
Variant type: single nucleotide variant.
Coding change: c.5605A>G on transcript NM_031935.3 (MANE Select); coding-DNA position 5605, A replaced by G.
Protein change: p.Thr1869Ala; replaces threonine 1869 with alanine.
Molecular consequence: missense variant.
Genome position (GRCh38, 1-based): chr1:186,019,675, A>G. VCF-style: chr1-186019675-A-G. GRCh37 (hg19) VCF-style: chr1-185988807-A-G.
Other names: short protein forms T1869A.
Identifiers: ClinVar variation 2048780 (VCV002048780.4), dbSNP rs1327288894, ClinGen allele CA343893526.
Genomic context (GRCh38, chr1:186,019,675, plus strand): 5'-ATAGCCAATGGGATTCCAAATCCTTCCATTACATGGTTAAAAGATGACCAGCCTGTGAAC[A>G]CTGCCCAAGGAAACCTTAAAGTAAGTGTAAATATTACTCAGCCTAAACTGGGAAAGCTAC-3'
Protein context (NP_114141.2, residues 1859-1879): TWLKDDQPVN[Thr1869Ala]AQGNLKIQSS